The following is an entry in ClinVar:

NM_006918.5(SC5D):c.17G>C (p.Arg6Pro)

Gene: SC5D (sterol-C5-desaturase; plus strand). Cytogenetic location: 11q24.1.
Variant type: single nucleotide variant.
Coding change: c.17G>C on transcript NM_006918.5 (MANE Select); coding-DNA position 17, G replaced by C.
Protein change: p.Arg6Pro; replaces arginine 6 with proline.
Molecular consequence: missense variant.
Genome position (GRCh38, 1-based): chr11:121,303,392, G>C. VCF-style: chr11-121303392-G-C. GRCh37 (hg19) VCF-style: chr11-121174101-G-C.
Other names: c.17G>C, p.Arg6Pro (NM_001024956.3); short protein forms R6P.
Identifiers: ClinVar variation 1943675 (VCV001943675.5), dbSNP rs370681255, ClinGen allele CA229853383.

ClinVar aggregate classification (germline): Uncertain significance (1 of 4 stars; one submission).

Allele frequency attached by ClinVar (database versions not stated): TOPMed below 0.00001; ESP Exome Variant Server 0.00008.
gnomAD v4.1: 2 of 1,613,772 alleles (0.00012%); highest among the groups gnomAD compares: African/African-American, 0.0027%; no homozygotes.

Submission:

Labcorp Genetics (formerly Invitae), Labcorp
Classification: Uncertain significance. Last evaluated: 2023-07-17. Review status: criteria provided, single submitter. Criteria: Invitae Variant Classification Sherloc (09022015). Collection method: clinical testing. Allele origin: germline.
Comment: In summary, the available evidence is currently insufficient to determine the role of this variant in disease. Therefore, it has been classified as a Variant of Uncertain Significance. Algorithms developed to predict the effect of sequence changes on RNA splicing suggest that this variant may disrupt the consensus splice site. An algorithm developed to predict the effect of missense changes on protein structure and function (PolyPhen-2) suggests that this variant is likely to be tolerated. ClinVar contains an entry for this variant (Variation ID: 1943675). This variant has not been reported in the literature in individuals affected with SC5D-related conditions. This variant is not present in population databases (gnomAD no frequency). This sequence change replaces arginine, which is basic and polar, with proline, which is neutral and non-polar, at codon 6 of the SC5D protein (p.Arg6Pro).